The following is an entry in ClinVar:

NM_018474.6(KIZ):c.382C>A (p.Leu128Met)

Gene: KIZ (kizuna centrosomal protein; plus strand). Cytogenetic location: 20p11.23.
Variant type: single nucleotide variant.
Coding change: c.382C>A on transcript NM_018474.6 (MANE Select); coding-DNA position 382, C replaced by A.
Protein change: p.Leu128Met; replaces leucine 128 with methionine.
Molecular consequence: missense variant. On other transcripts: intron variant (1).
Genome position (GRCh38, 1-based): chr20:21,145,631, C>A. VCF-style: chr20-21145631-C-A. GRCh37 (hg19) VCF-style: chr20-21126272-C-A.
Other names: c.73C>A, p.Leu25Met (NM_001163022.3, NM_001352435.2); c.235C>A, p.Leu79Met (NM_001276389.2); c.382C>A, p.Leu128Met (NM_001352434.2); c.40C>A, p.Leu14Met (NM_001352436.2); c.6+13472C>A (NM_001163023.3); short protein forms L128M, L14M, L79M, L25M.
Identifiers: ClinVar variation 1931592 (VCV001931592.3), dbSNP rs2519679658, ClinGen allele CA408488854.
Genomic context (GRCh38, chr20:21,145,631, plus strand): 5'-TATGAGACTCAAATTAAGAAGATGCTATGCTCAAAAGATAGCCTGGGACTAAAAGAGGAA[C>A]TGACAGATGAAGACAGAGAAAAGGTAATAAACTAAATTGGTAACCTTTCTGTTAACAGAG-3'
Protein context (NP_060944.3, residues 118-138): SKDSLGLKEE[Leu128Met]TDEDREKVAV

ClinVar aggregate classification (germline): Uncertain significance (1 of 4 stars; one submission).

Submission:

Labcorp Genetics (formerly Invitae), Labcorp
Classification: Uncertain significance. Last evaluated: 2022-05-25. Review status: criteria provided, single submitter. Criteria: Invitae Variant Classification Sherloc (09022015). Collection method: clinical testing. Allele origin: germline.
Comment: In summary, the available evidence is currently insufficient to determine the role of this variant in disease. Therefore, it has been classified as a Variant of Uncertain Significance. Experimental studies and prediction algorithms are not available or were not evaluated, and the functional significance of this variant is currently unknown. This variant has not been reported in the literature in individuals affected with KIZ-related conditions. This variant is not present in population databases (gnomAD no frequency). This sequence change replaces leucine, which is neutral and non-polar, with methionine, which is neutral and non-polar, at codon 128 of the KIZ protein (p.Leu128Met).